The following is an entry in ClinVar:

NM_015973.5(GAL):c.315C>T (p.Leu105=)

Gene: GAL (galanin and GMAP prepropeptide; plus strand). Cytogenetic location: 11q13.2.
Variant type: single nucleotide variant.
Coding change: c.315C>T on transcript NM_015973.5 (MANE Select); coding-DNA position 315, C replaced by T.
Protein change: p.Leu105=; no amino-acid change (leucine 105 retained).
Molecular consequence: synonymous variant.
Genome position (GRCh38, 1-based): chr11:68,690,930, C>T. VCF-style: chr11-68690930-C-T. GRCh37 (hg19) VCF-style: chr11-68458398-C-T.
Identifiers: ClinVar variation 2642045 (VCV002642045.24), dbSNP rs748331117, ClinGen allele CA6151547.

ClinVar aggregate classification (germline): Likely benign (1 of 4 stars; one submission).

Allele frequency attached by ClinVar (database versions not stated): gnomAD exomes below 0.00001; ExAC 0.00001; gnomAD 0.00001.
gnomAD v4.1: 5 of 1,612,386 alleles (0.00031%); highest among the groups gnomAD compares: South Asian, 0.0022%; no homozygotes.

Submission:

CeGaT Center for Human Genetics Tuebingen
Classification: Likely benign. Last evaluated: 2020-11-01. Review status: criteria provided, single submitter. Criteria: CeGaT Center For Human Genetics Tuebingen Variant Classification Criteria Version 2. Collection method: clinical testing. Allele origin: germline. Affected: yes. Observed: 1 variant allele.
Comment: GAL: BP4, BP7